The following is an entry in ClinVar:

ClinVar aggregate classification (germline): Uncertain significance. Review status: criteria provided, multiple submitters, no conflicts (2 of 4 stars). 2 submissions from 2 submitters: Uncertain significance (2). Last evaluated 2025-10-02.

Conditions:
Cardiovascular phenotype. Identifiers: MedGen CN230736.
TTN-related disorder. Also called: TTN-related condition; TTN-related disease; TTN-related disorders.

Allele frequency attached by ClinVar (database versions not stated): gnomAD 0.00001; TOPMed 0.00001.
gnomAD v4.1: 9 of 1,612,814 alleles (0.00056%); highest among the groups gnomAD compares: Non-Finnish European, 0.00068%; no homozygotes.

Submissions (2):

PreventionGenetics, part of Exact Sciences
Classification: Uncertain significance for TTN-related condition. Last evaluated: 2025-10-02. Review status: criteria provided, single submitter. Criteria: ACMG Guidelines, 2015. Collection method: clinical testing. Allele origin: germline.
Comment: The TTN c.42725C>T variant is predicted to result in the amino acid substitution p.Ala14242Val. To our knowledge, this variant has not been reported in the literature. This variant is reported in 0.0024% of alleles in individuals of European (Non-Finnish) descent in gnomAD. At this time, the clinical significance of this variant is uncertain due to the absence of conclusive functional and genetic evidence.

Ambry Genetics
Classification: Uncertain significance for Cardiovascular phenotype. Last evaluated: 2013-10-16. Review status: criteria provided, single submitter. Criteria: Ambry Autosomal Dominant and X-Linked criteria (10/2015). Collection method: clinical testing. Allele origin: germline. Observed: 1 variant allele.
Comment: The p.A11674V variant (also known as c.35021C>T) is located in coding exon 180 of the TTN gene. This alteration results from a C to T substitution at nucleotide position 35021. The alanine at codon 11674 is replaced by valine, an amino acid with some similar properties. Ã¢â‚¬â€¹ Ã¢â‚¬â€¹This variant was not reported in population-based cohorts in the following databases: Database of Single Nucleotide Polymorphisms (dbSNP), the 1000 Genomes Project and the NHLBI Exome Sequencing Project (ESP). In the ESP, this variant was not observed in 5992 samples (11984 alleles) with coverage at this position. Based on protein sequence alignment, this amino acid position is not well conserved in available vertebrate species. In addition, this alteration is predicted to be possibly damaging by PolyPhen analysis. This variant has been detected in conjunction with a pathogenic mutation in MYBPC3 by our laboratory. Since supporting evidence is limited at this time, the clinical significance of this variant remains unclear.

NM_001267550.2(TTN):c.42725C>T (p.Ala14242Val)

Gene: TTN (titin; minus strand). Cytogenetic location: 2q31.2.
Variant type: single nucleotide variant.
Coding change: c.42725C>T on transcript NM_001267550.2 (MANE Select); coding-DNA position 42725, C replaced by T.
Protein change: p.Ala14242Val; replaces alanine 14242 with valine.
Molecular consequence: missense variant.
Genome position (GRCh38, 1-based): chr2:178,633,634, G>A on the plus strand (C>T on the coding strand, the complement: TTN is on the minus strand). VCF-style: chr2-178633634-G-A. GRCh37 (hg19) VCF-style: chr2-179498361-G-A.
Other names: c.37802C>T, p.Ala12601Val (NM_001256850.1); c.15530C>T, p.Ala5177Val (NM_003319.4); c.35021C>T, p.Ala11674Val (NM_133378.4); c.15905C>T, p.Ala5302Val (NM_133432.3); c.16106C>T, p.Ala5369Val (NM_133437.4); short protein forms A11674V, A14242V, A12601V, A5302V, A5177V, A5369V.
Identifiers: ClinVar variation 263727 (VCV000263727.4), dbSNP rs769564228, ClinGen allele CA10587504.